The following is an entry in ClinVar:

ClinVar aggregate classification (germline): Uncertain significance (1 of 4 stars; one submission).

Conditions:
Developmental and epileptic encephalopathy, 14 (DEE14). Also called: Early infantile epileptic encephalopathy 14. Identifiers: Orphanet 293181, MedGen C3554195, MONDO:0013989, OMIM 614959.
Autosomal dominant nocturnal frontal lobe epilepsy 5. Also called: KCNT1-Related Epilepsy; CILIARY DYSKINESIA, PRIMARY, 28, WITH SITUS INVERSUS; Epilepsy, nocturnal frontal lobe, 5; CILIARY DYSKINESIA, PRIMARY, 28, WITHOUT SITUS INVERSUS. Identifiers: Orphanet 98784, MedGen C3554306, MONDO:0014002, OMIM 615005.

Allele frequency attached by ClinVar (database versions not stated): TOPMed below 0.00001; gnomAD exomes 0.00001; ExAC 0.00002.
gnomAD v4.1: 13 of 1,613,886 alleles (0.00081%); highest among the groups gnomAD compares: South Asian, 0.0033%; no homozygotes.

Submission:

Labcorp Genetics (formerly Invitae), Labcorp
Classification: Uncertain significance for Autosomal dominant nocturnal frontal lobe epilepsy 5; Developmental and epileptic encephalopathy, 14. Last evaluated: 2024-12-10. Review status: criteria provided, single submitter. Criteria: Invitae Variant Classification Sherloc (09022015). Collection method: clinical testing. Allele origin: germline.
Comment: This sequence change replaces alanine, which is neutral and non-polar, with threonine, which is neutral and polar, at codon 891 of the KCNT1 protein (p.Ala891Thr). This variant is present in population databases (rs752835491, gnomAD 0.01%). This variant has not been reported in the literature in individuals affected with KCNT1-related conditions. ClinVar contains an entry for this variant (Variation ID: 1420859). Invitae Evidence Modeling of protein sequence and biophysical properties (such as structural, functional, and spatial information, amino acid conservation, physicochemical variation, residue mobility, and thermodynamic stability) has been performed for this missense variant. However, the output from this modeling did not meet the statistical confidence thresholds required to predict the impact of this variant on KCNT1 protein function. In summary, the available evidence is currently insufficient to determine the role of this variant in disease. Therefore, it has been classified as a Variant of Uncertain Significance.

NM_020822.3(KCNT1):c.2671G>A (p.Ala891Thr)

Gene: KCNT1 (potassium sodium-activated channel subfamily T member 1; plus strand). Cytogenetic location: 9q34.3.
Variant type: single nucleotide variant.
Coding change: c.2671G>A on transcript NM_020822.3 (MANE Select); coding-DNA position 2671, G replaced by A.
Protein change: p.Ala891Thr; replaces alanine 891 with threonine.
Molecular consequence: missense variant.
Genome position (GRCh38, 1-based): chr9:135,778,764, G>A. VCF-style: chr9-135778764-G-A. GRCh37 (hg19) VCF-style: chr9-138670610-G-A.
Other names: c.2536G>A, p.Ala846Thr (NM_001272003.2); short protein forms A891T, A846T.
Identifiers: ClinVar variation 1420859 (VCV001420859.6), dbSNP rs752835491, ClinGen allele CA5327385.